The following is an entry in ClinVar:

ClinVar aggregate classification (germline): Uncertain significance (1 of 4 stars; one submission).

Conditions:
Familial adenomatous polyposis 1 (FAP1). Also called: POLYPOSIS, ADENOMATOUS INTESTINAL; FAMILIAL ADENOMATOUS POLYPOSIS 1, ATTENUATED. Identifiers: MedGen C2713442, MONDO:0021056, OMIM 175100. Disease mechanism: loss of function.

gnomAD v4.1: 2 of 1,613,628 alleles (0.00012%); highest among the groups gnomAD compares: South Asian, 0.0022%; no homozygotes.

Submission:

Labcorp Genetics (formerly Invitae), Labcorp
Classification: Uncertain significance for Familial adenomatous polyposis 1. Last evaluated: 2022-06-07. Review status: criteria provided, single submitter. Criteria: Invitae Variant Classification Sherloc (09022015). Collection method: clinical testing. Allele origin: germline.
Comment: ClinVar contains an entry for this variant (Variation ID: 652246). This sequence change replaces histidine, which is basic and polar, with aspartic acid, which is acidic and polar, at codon 1965 of the APC protein (p.His1965Asp). This variant is not present in population databases (gnomAD no frequency). This variant has not been reported in the literature in individuals affected with APC-related conditions. Algorithms developed to predict the effect of missense changes on protein structure and function (SIFT, PolyPhen-2, Align-GVGD) all suggest that this variant is likely to be tolerated. In summary, the available evidence is currently insufficient to determine the role of this variant in disease. Therefore, it has been classified as a Variant of Uncertain Significance.

NM_000038.6(APC):c.5893C>G (p.His1965Asp)

Gene: APC (APC regulator of Wnt signaling pathway; plus strand). Cytogenetic location: 5q22.2.
Variant type: single nucleotide variant.
Coding change: c.5893C>G on transcript NM_000038.6 (MANE Select); coding-DNA position 5893, C replaced by G.
Protein change: p.His1965Asp; replaces histidine 1965 with aspartic acid.
Molecular consequence: missense variant.
Genome position (GRCh38, 1-based): chr5:112,841,487, C>G. VCF-style: chr5-112841487-C-G. GRCh37 (hg19) VCF-style: chr5-112177184-C-G.
Other names: c.5893C>G, p.His1965Asp (NM_001127510.3, NM_001354895.2); c.5839C>G, p.His1947Asp (NM_001127511.3); c.5947C>G, p.His1983Asp (NM_001354896.2); c.5923C>G, p.His1975Asp (NM_001354897.2); c.5818C>G, p.His1940Asp (NM_001354898.2); c.5809C>G, p.His1937Asp (NM_001354899.2); c.5770C>G, p.His1924Asp (NM_001354900.2); c.5716C>G, p.His1906Asp (NM_001354901.2); and 5 more; short protein forms H1839D, H1906D, H1983D, H1805D, H1924D, H1940D, H1682D, H1864D.
Identifiers: ClinVar variation 652246 (VCV000652246.10), dbSNP rs1385926024, ClinGen allele CA16034226.